The following is an entry in ClinVar:

Conditions:
Breast-ovarian cancer, familial, susceptibility to, 1 (BROVCA1). Also called: BRCA1 Hereditary Breast and Ovarian Cancer; OVARIAN CANCER, SUSCEPTIBILITY TO. Identifiers: Orphanet 145, MedGen C2676676, MONDO:0011450, OMIM 604370. Disease mechanism: loss of function.

Submission:

Brotman Baty Institute, University of Washington
No classification provided (evidence only). Condition: Breast-ovarian cancer, familial 1. Review status: no classification provided. Collection method: in vitro. Allele origin: not applicable. Functional consequence: functionally_normal.
ClinVar note: "not provided" was previously submitted as the classification for the variant. However, the classification appeared to be based only on an observation of functional data so it was converted to no classification on 2025-07-30.

NM_007294.4(BRCA1):c.5329A>C (p.Thr1777Pro)

Gene: BRCA1 (BRCA1 DNA repair associated; minus strand). Cytogenetic location: 17q21.31.
Variant type: single nucleotide variant.
Coding change: c.5329A>C on transcript NM_007294.4 (MANE Select); coding-DNA position 5329, A replaced by C.
Protein change: p.Thr1777Pro; replaces threonine 1777 with proline.
Molecular consequence: missense variant. On other transcripts: non-coding transcript variant (1).
Genome position (GRCh38, 1-based): chr17:43,051,066, T>G on the plus strand (A>C on the coding strand, the complement: BRCA1 is on the minus strand). VCF-style: chr17-43051066-T-G. GRCh37 (hg19) VCF-style: chr17-41203083-T-G.
Other names: c.5326A>C, p.Thr1776Pro (NM_001407621.1, NM_001407622.1, NM_001407623.1 and 17 more transcripts); c.5323A>C, p.Thr1775Pro (NM_001407627.1, NM_001407628.1, NM_001407629.1 and 14 more transcripts); c.5320A>C, p.Thr1774Pro (NM_001407644.1, NM_001407645.1); c.5317A>C, p.Thr1773Pro (NM_001407646.1); c.5314A>C, p.Thr1772Pro (NM_001407647.1); c.5272A>C, p.Thr1758Pro (NM_001407648.1); c.5269A>C, p.Thr1757Pro (NM_001407649.1); c.5251A>C, p.Thr1751Pro (NM_001407652.1, NM_001407653.1, NM_001407654.1 and 1 more transcripts); and 72 more; short protein forms T1777P, T1798P, T673P, T1730P, T1480P, T1623P, T1664P, T1665P.
Identifiers: ClinVar variation 865602 (VCV000865602.3), dbSNP rs879255296, ClinGen allele CA10590895.